The following is an entry in ClinVar:

ClinVar aggregate classification (germline): Likely benign (1 of 4 stars; one submission).

Submission:

CeGaT Center for Human Genetics Tuebingen
Classification: Likely benign. Last evaluated: 2026-07-01. Review status: criteria provided, single submitter. Criteria: CeGaT Center For Human Genetics Tuebingen Variant Classification Criteria Version 2. Collection method: clinical testing. Allele origin: germline. Affected: yes. Observed: 1 variant allele.
Comment: LAMP2: PM2:Supporting, BP4, BP7

NM_002294.3(LAMP2):c.765C>T (p.Asn255=)

Gene: LAMP2 (lysosome associated membrane protein 2; minus strand). Cytogenetic location: Xq24.
Variant type: single nucleotide variant.
Coding change: c.765C>T on transcript NM_002294.3 (MANE Select); coding-DNA position 765, C replaced by T.
Protein change: p.Asn255=; no amino-acid change (asparagine 255 retained).
Molecular consequence: synonymous variant.
Genome position (GRCh38, 1-based): chrX:120,446,404, G>A on the plus strand (C>T on the coding strand, the complement: LAMP2 is on the minus strand). VCF-style: chrX-120446404-G-A. GRCh37 (hg19) VCF-style: chrX-119580259-G-A.
Other names: c.765C>T, p.Asn255= (NM_001122606.1, NM_013995.2).
Identifiers: ClinVar variation 5040211 (VCV005040211.1).